The following is an entry in ClinVar:

NM_000553.6(WRN):c.2448+1G>A

Gene: WRN (WRN RecQ like helicase; plus strand). Cytogenetic location: 8p12.
Variant type: single nucleotide variant.
Coding change: c.2448+1G>A on transcript NM_000553.6 (MANE Select); the canonical splice donor site of the intron after coding-DNA position 2448, G replaced by A.
Molecular consequence: splice donor variant.
Genome position (GRCh38, 1-based): chr8:31,116,529, G>A. VCF-style: chr8-31116529-G-A. GRCh37 (hg19) VCF-style: chr8-30974045-G-A.
Identifiers: ClinVar variation 1466723 (VCV001466723.7), dbSNP rs2130306367, ClinGen allele CA370914154.
Genomic context (GRCh38, chr8:31,116,529, plus strand): 5'-GGCATGAGTTTTAGCACAAGGAAAGACATTCATCATAGGTTTGTAAGAGATGAAATTCAG[G>A]TATGAGGATCAATCATCATTGCTCTCCGTTGCTCATAGTGGAAGTGGATATTTCTCAAAT-3'

ClinVar aggregate classification (germline): Pathogenic/Likely pathogenic. Review status: criteria provided, multiple submitters, no conflicts (2 of 4 stars). 2 submissions from 2 submitters: Pathogenic (1); Likely pathogenic (1). Last evaluated 2025-04-09.

Conditions:
Werner syndrome (WRN). Identifiers: Orphanet 902, MedGen C0043119, MONDO:0010196, OMIM 277700.

Allele frequency attached by ClinVar (database versions not stated): gnomAD exomes below 0.00001.
gnomAD v4.1: 3 of 1,613,654 alleles (0.00019%); highest among the groups gnomAD compares: Non-Finnish European, 0.00017%; no homozygotes.

Submissions (2):

Labcorp Genetics (formerly Invitae), Labcorp
Classification: Likely pathogenic for Werner syndrome. Last evaluated: 2025-04-09. Review status: criteria provided, single submitter. Criteria: Invitae Variant Classification Sherloc (09022015). Collection method: clinical testing. Allele origin: germline.
Comment: This sequence change affects a donor splice site in intron 20 of the WRN gene. It is expected to disrupt RNA splicing. Variants that disrupt the donor or acceptor splice site typically lead to a loss of protein function (PMID: 16199547), and loss-of-function variants in WRN are known to be pathogenic (PMID: 16673358). This variant is not present in population databases (gnomAD no frequency). Disruption of this splice site has been observed in individual(s) with Werner syndrome (PMID: 9012406, 30140198). ClinVar contains an entry for this variant (Variation ID: 1466723). Algorithms developed to predict the effect of sequence changes on RNA splicing suggest that this variant may disrupt the consensus splice site. In summary, the currently available evidence indicates that the variant is pathogenic, but additional data are needed to prove that conclusively. Therefore, this variant has been classified as Likely Pathogenic.

Baylor Genetics
Classification: Pathogenic for Werner syndrome. Last evaluated: 2023-10-01. Review status: criteria provided, single submitter. Criteria: ACMG Guidelines, 2015. Collection method: clinical testing. Allele origin: unknown.

Literature cited by the submitters: PubMed 16199547 (cited by Labcorp Genetics (formerly Invitae), Labcorp); PubMed 16673358 (cited by Labcorp Genetics (formerly Invitae), Labcorp); PubMed 9012406 (cited by Labcorp Genetics (formerly Invitae), Labcorp); PubMed 30140198 (cited by Labcorp Genetics (formerly Invitae), Labcorp).